The following is an entry in ClinVar:

NM_015662.3(IFT172):c.499A>G (p.Ile167Val)

Gene: IFT172 (intraflagellar transport 172; minus strand). Cytogenetic location: 2p23.3.
Variant type: single nucleotide variant.
Coding change: c.499A>G on transcript NM_015662.3 (MANE Select); coding-DNA position 499, A replaced by G.
Protein change: p.Ile167Val; replaces isoleucine 167 with valine.
Molecular consequence: missense variant.
Genome position (GRCh38, 1-based): chr2:27,483,360, T>C on the plus strand (A>G on the coding strand, the complement: IFT172 is on the minus strand). VCF-style: chr2-27483360-T-C. GRCh37 (hg19) VCF-style: chr2-27706227-T-C.
Other names: c.499A>G, p.Ile167Val (NM_001410739.1); c.499A>G (NM_015662.2); short protein forms I167V.
Identifiers: ClinVar variation 3285423 (VCV003285423.2).

ClinVar aggregate classification (germline): Uncertain significance. Review status: criteria provided, multiple submitters, no conflicts (2 of 4 stars). 2 submissions from 2 submitters: Uncertain significance (2). Last evaluated 2025-03-10.

Conditions:
Inborn genetic diseases. Identifiers: MedGen C0950123, MeSH D030342.

gnomAD v4.1: 1 of 1,606,036 alleles (0.000062%); highest among the groups gnomAD compares: African/African-American, 0.0013%; no homozygotes.

Submissions (2):

GeneDx
Classification: Uncertain significance. Last evaluated: 2025-03-10. Review status: criteria provided, single submitter. Criteria: GeneDx Variant Classification Process June 2021. Collection method: clinical testing. Allele origin: germline. Affected: yes.
Comment: Not observed at significant frequency in large population cohorts (gnomAD); In silico analysis indicates that this missense variant does not alter protein structure/function; Has not been previously published as pathogenic or benign to our knowledge

Ambry Genetics
Classification: Uncertain significance for Inborn genetic diseases. Last evaluated: 2024-05-21. Review status: criteria provided, single submitter. Criteria: Ambry Variant Classification Scheme 2023. Collection method: clinical testing. Allele origin: germline.